The following is an entry in ClinVar:

NM_001042492.3(NF1):c.3962T>G (p.Val1321Gly)

Gene: NF1 (neurofibromin 1; plus strand). Cytogenetic location: 17q11.2.
Variant type: single nucleotide variant.
Coding change: c.3962T>G on transcript NM_001042492.3 (MANE Select); coding-DNA position 3962, T replaced by G.
Protein change: p.Val1321Gly; replaces valine 1321 with glycine.
Molecular consequence: missense variant.
Genome position (GRCh38, 1-based): chr17:31,236,009, T>G. VCF-style: chr17-31236009-T-G. GRCh37 (hg19) VCF-style: chr17-29563027-T-G.
Other names: c.3962T>G, p.Val1321Gly (NM_000267.4); short protein forms V1321G.
Identifiers: ClinVar variation 824435 (VCV000824435.4), dbSNP rs1060500337, ClinGen allele CA398993313.

ClinVar aggregate classification (germline): Uncertain significance (1 of 4 stars; one submission).

Conditions:
Hereditary cancer-predisposing syndrome. Also called: Neoplastic Syndromes, Hereditary; Tumor predisposition; Hereditary neoplastic syndrome; Hereditary Cancer Syndrome. Identifiers: Orphanet 140162, MedGen C0027672, MeSH D009386, MONDO:0015356.
Cardiovascular phenotype. Identifiers: MedGen CN230736.

Submission:

Ambry Genetics
Classification: Uncertain significance for Cardiovascular phenotype; Hereditary cancer-predisposing syndrome. Last evaluated: 2018-10-03. Review status: criteria provided, single submitter. Criteria: Ambry Variant Classification Scheme 2023. Collection method: clinical testing. Allele origin: germline.
Comment: The p.V1321G variant (also known as c.3962T>G), located in coding exon 29 of the NF1 gene, results from a T to G substitution at nucleotide position 3962. The valine at codon 1321 is replaced by glycine, an amino acid with dissimilar properties. This amino acid position is highly conserved in available vertebrate species. In addition, this alteration is predicted to be deleterious by in silico analysis. Since supporting evidence is limited at this time, the clinical significance of this alteration remains unclear.